The following is an entry in ClinVar:

ClinVar aggregate classification (germline): Pathogenic/Likely pathogenic. Review status: criteria provided, multiple submitters, no conflicts (2 of 4 stars). 4 submissions from 4 submitters: Pathogenic (3); Likely pathogenic (1). Last evaluated 2025-09-10.

Conditions:
Deficiency of acetyl-CoA acetyltransferase. Also called: 3-KETOTHIOLASE DEFICIENCY; 3-OXOTHIOLASE DEFICIENCY; Beta-ketothiolase deficiency; MITOCHONDRIAL ACETOACETYL-CoA THIOLASE DEFICIENCY. Identifiers: Orphanet 134, MedGen C1536500, MONDO:0008760, OMIM 203750. Disease mechanism: loss of function.

Allele frequency attached by ClinVar (database versions not stated): TOPMed below 0.00001.

Submissions (4):

Genomic Medicine Center of Excellence, King Faisal Specialist Hospital and Research Centre
Classification: Pathogenic for Deficiency of acetyl-CoA acetyltransferase. Last evaluated: 2025-09-10. Review status: criteria provided, single submitter. Criteria: ACMG Guidelines, 2015. Collection method: clinical testing. Allele origin: germline.

Labcorp Genetics (formerly Invitae), Labcorp
Classification: Pathogenic for Deficiency of acetyl-CoA acetyltransferase. Last evaluated: 2021-08-26. Review status: criteria provided, single submitter. Criteria: Invitae Variant Classification Sherloc (09022015). Collection method: clinical testing. Allele origin: germline.
Comment: This sequence change replaces methionine with threonine at codon 193 of the ACAT1 protein (p.Met193Thr). The methionine residue is highly conserved and there is a moderate physicochemical difference between methionine and threonine. This variant is not present in population databases (ExAC no frequency). This missense change has been observed in individual(s) with mitochondrial acetoacetyl-CoA thiolase deficiency (PMID: 15877211, 20046049). It has also been observed to segregate with disease in related individuals. Algorithms developed to predict the effect of missense changes on protein structure and function (SIFT, PolyPhen-2, Align-GVGD) all suggest that this variant is likely to be disruptive. Experimental studies have shown that this missense change affects ACAT1 function (PMID: 15877211). This variant disrupts the p.Met193 amino acid residue in ACAT1. Other variant(s) that disrupt this residue have been determined to be pathogenic (PMID: 23958592, 27928777). This suggests that this residue is clinically significant, and that variants that disrupt this residue are likely to be disease-causing. For these reasons, this variant has been classified as Pathogenic.

Department of Pediatrics, Gifu University
Classification: Likely pathogenic for Deficiency of acetyl-CoA acetyltransferase. Last evaluated: 2019-05-05. Review status: criteria provided, single submitter. Criteria: ACMG Guidelines, 2015. Collection method: research. Allele origin: germline. Affected: yes. Observed: 3 variant alleles. Clinical features observed: Ketoacidosis.

Neuberg Centre For Genomic Medicine, NCGM
Classification: Pathogenic for Deficiency of acetyl-CoA acetyltransferase. Review status: criteria provided, single submitter. Criteria: ACMG Guidelines, 2015. Collection method: clinical testing. Allele origin: germline. Inheritance: Autosomal recessive inheritance. Affected: yes.
Comment: The missense c.578T>Cp.Met193Thr variant in ACAT1 gene has been reported previously in compound heterozygous state in individuals affected with mitochondrial acetoacetyl-CoA thiolase deficiency Thümmler S et al., 2010. Experimental studies have shown that this missense change affects ACAT1 function Mrázová L et al., 2005. This variant is reported with the allele frequency of 0.0004% in the gnomAD Exomes and novel in 1000 Genomes. This variant has been reported to the ClinVar database as Likely Pathogenic / Pathogenic. The amino acid Met at position 193 is changed to a Thr changing protein sequence and it might alter its composition and physico-chemical properties. The amino acid change p.Met193Thr in ACAT1 is predicted as conserved by GERP++ and PhyloP across 100 vertebrates. The variant is predicted as damaging by SIFT. For these reasons, this variant has been classified as Pathogenic.

Literature cited by the submitters: PubMed 15877211 (cited by Labcorp Genetics (formerly Invitae), Labcorp); PubMed 20046049 (cited by Labcorp Genetics (formerly Invitae), Labcorp); PubMed 23958592 (cited by Labcorp Genetics (formerly Invitae), Labcorp); PubMed 27928777 (cited by Labcorp Genetics (formerly Invitae), Labcorp); PubMed 31268215 (cited by Department of Pediatrics, Gifu University).

NM_000019.4(ACAT1):c.578T>C (p.Met193Thr)

Gene: ACAT1 (acetyl-CoA acetyltransferase 1; plus strand). Cytogenetic location: 11q22.3.
Variant type: single nucleotide variant.
Coding change: c.578T>C on transcript NM_000019.4 (MANE Select); coding-DNA position 578, T replaced by C.
Protein change: p.Met193Thr; replaces methionine 193 with threonine.
Molecular consequence: missense variant.
Genome position (GRCh38, 1-based): chr11:108,139,040, T>C. VCF-style: chr11-108139040-T-C. GRCh37 (hg19) VCF-style: chr11-108009767-T-C.
Other names: short protein forms M193T.
Identifiers: ClinVar variation 666489 (VCV000666489.9), dbSNP rs541517496, ClinGen allele CA382507358.